The following is an entry in ClinVar:

ClinVar aggregate classification (germline): Benign/Likely benign. Review status: criteria provided, multiple submitters, no conflicts (2 of 4 stars). 3 submissions from 3 submitters: Benign (1); Likely benign (2). Last evaluated 2025-06-06.

Conditions:
INPP5K-related disorder. Also called: INPP5K-related condition.

Allele frequency attached by ClinVar (database versions not stated): gnomAD exomes 0.00009 and 0.00047; gnomAD 0.00012 and 0.00023; TOPMed 0.00019; ExAC 0.00038; 1000 Genomes Project 30x 0.00250; 1000 Genomes Project 0.00260.
gnomAD v4.1: 184 of 1,614,270 alleles (0.011%); highest among the groups gnomAD compares: East Asian, 0.32%; 2 homozygotes.

Submissions (3):

PreventionGenetics, part of Exact Sciences
Classification: Likely benign for INPP5K-related condition. Last evaluated: 2025-06-06. Review status: criteria provided, single submitter. Criteria: ACMG Guidelines, 2015. Collection method: clinical testing. Allele origin: germline.
Comment: This variant is classified as likely benign based on ACMG/AMP sequence variant interpretation guidelines (Richards et al. 2015 PMID: 25741868, with internal and published modifications).

Blueprint Genetics
Classification: Likely benign. Last evaluated: 2024-11-25. Review status: criteria provided, single submitter. Criteria: ACMG Guidelines, 2015. Collection method: clinical testing. Allele origin: germline.

Labcorp Genetics (formerly Invitae), Labcorp
Classification: Benign. Last evaluated: 2018-09-10. Review status: criteria provided, single submitter. Criteria: Invitae Variant Classification Sherloc (09022015). Collection method: clinical testing. Allele origin: germline.

NM_016532.4(INPP5K):c.207T>C (p.Asn69=)

Gene: INPP5K (inositol polyphosphate-5-phosphatase K; minus strand). Cytogenetic location: 17p13.3.
Variant type: single nucleotide variant.
Coding change: c.207T>C on transcript NM_016532.4 (MANE Select); coding-DNA position 207, T replaced by C.
Protein change: p.Asn69=; no amino-acid change (asparagine 69 retained).
Molecular consequence: synonymous variant. On other transcripts: 5 prime UTR variant (2).
Genome position (GRCh38, 1-based): chr17:1,513,507, A>G on the plus strand (T>C on the coding strand, the complement: INPP5K is on the minus strand). VCF-style: chr17-1513507-A-G. GRCh37 (hg19) VCF-style: chr17-1416801-A-G.
Other names: c.-22T>C (NM_001135642.2, NM_130766.3).
Identifiers: ClinVar variation 750964 (VCV000750964.5), dbSNP rs80146383, ClinGen allele CA8268669.